The following is an entry in ClinVar:

ClinVar aggregate classification (germline): Conflicting classifications of pathogenicity. Review status: criteria provided, conflicting classifications (1 of 4 stars). 5 submissions from 5 submitters: Uncertain significance (3); Likely benign (2). Last evaluated 2026-08-31.

Conditions:
Choanal atresia-athelia-hypothyroidism-delayed puberty-short stature syndrome (BCAHH). Also called: BRANCHIAL ARCH ABNORMALITIES, CHOANAL ATRESIA, ATHELIA, HEARING LOSS, AND HYPOTHYROIDISM SYNDROME. Identifiers: Orphanet 589856, MedGen C5680310, MONDO:0035651, OMIM 620186.
Kabuki syndrome 1 (KABUK1). Also called: KMT2D-Related Kabuki Syndrome. Identifiers: Orphanet 2322, MedGen CN030661, MONDO:0007843, OMIM 147920.
KMT2D-related disorder. Also called: KMT2D-Related Disorders.
Kabuki syndrome. Also called: NIIKAWA-KUROKI SYNDROME; Kabuki make-up syndrome. Identifiers: Orphanet 2322, MedGen C0796004, MONDO:0016512.

Allele frequency attached by ClinVar (database versions not stated): gnomAD 0.00002; TOPMed 0.00002; gnomAD exomes 0.00003.
gnomAD v4.1: 13 of 1,518,742 alleles (0.00086%); highest among the groups gnomAD compares: Non-Finnish European, 0.0011%; no homozygotes.

Submissions (5):

PreventionGenetics, part of Exact Sciences
Classification: Uncertain significance for KMT2D-related condition. Last evaluated: 2026-08-31. Review status: criteria provided, single submitter. Criteria: ACMG Guidelines, 2015. Collection method: clinical testing. Allele origin: germline.
Comment: The KMT2D c.6501G>A variant is not predicted to result in an amino acid change (p.=). This variant is predicted to impact splicing based on a computational splicing prediction program; however, the impact of this variant has not been functionally validated (SpliceAI, Jaganathan et al. 2019. PubMed ID: 30661751). To our knowledge, this variant has not been reported in the literature. This variant is reported in 0.0057% of alleles in individuals of European (Non-Finnish) descent in gnomAD. At this time, the clinical significance of this variant is uncertain due to the absence of conclusive functional and genetic evidence.

Labcorp Genetics (formerly Invitae), Labcorp
Classification: Likely benign for Kabuki syndrome. Last evaluated: 2024-11-30. Review status: criteria provided, single submitter. Criteria: Invitae Variant Classification Sherloc (09022015). Collection method: clinical testing. Allele origin: germline.

Blueprint Genetics
Classification: Likely benign. Last evaluated: 2024-04-17. Review status: criteria provided, single submitter. Criteria: ACMG Guidelines, 2015. Collection method: clinical testing. Allele origin: germline.

Fulgent Genetics
Classification: Uncertain significance for Kabuki syndrome 1; Choanal atresia-athelia-hypothyroidism-delayed puberty-short stature syndrome. Last evaluated: 2024-01-11. Review status: criteria provided, single submitter. Criteria: ACMG Guidelines, 2015. Collection method: clinical testing. Allele origin: germline.

Genetic Services Laboratory, University of Chicago
Classification: Uncertain significance. Last evaluated: 2019-06-11. Review status: criteria provided, single submitter. Criteria: ACMG Guidelines, 2015. Collection method: clinical testing. Allele origin: germline. Affected: no.

NM_003482.4(KMT2D):c.6501G>A (p.Val2167=)

Gene: KMT2D (lysine methyltransferase 2D; minus strand). Cytogenetic location: 12q13.12.
Variant type: single nucleotide variant.
Coding change: c.6501G>A on transcript NM_003482.4 (MANE Select); coding-DNA position 6501, G replaced by A.
Protein change: p.Val2167=; no amino-acid change (valine 2167 retained).
Molecular consequence: synonymous variant.
Genome position (GRCh38, 1-based): chr12:49,041,269, C>T on the plus strand (G>A on the coding strand, the complement: KMT2D is on the minus strand). VCF-style: chr12-49041269-C-T. GRCh37 (hg19) VCF-style: chr12-49435052-C-T.
Identifiers: ClinVar variation 1337217 (VCV001337217.14), dbSNP rs751139032, ClinGen allele CA6547251.